The following is an entry in ClinVar:

NM_014946.4(SPAST):c.1291C>T (p.Arg431Ter)

Gene: SPAST (spastin; plus strand). Cytogenetic location: 2p22.3.
Variant type: single nucleotide variant.
Coding change: c.1291C>T on transcript NM_014946.4 (MANE Select); coding-DNA position 1291, C replaced by T.
Protein change: p.Arg431Ter; replaces arginine 431 with a stop codon.
Molecular consequence: nonsense.
Genome position (GRCh38, 1-based): chr2:32,136,608, C>T. VCF-style: chr2-32136608-C-T. GRCh37 (hg19) VCF-style: chr2-32361677-C-T.
Other names: c.1288C>T, p.Arg430Ter (NM_001363823.2); c.1192C>T, p.Arg398Ter (NM_001363875.2); c.1195C>T, p.Arg399Ter (NM_001377959.1, NM_199436.2); short protein forms R431*, R399*, R430*, R398*.
Identifiers: ClinVar variation 188179 (VCV000188179.71), dbSNP rs786204126, ClinGen allele CA334245.

ClinVar aggregate classification (germline): Pathogenic. Review status: criteria provided, multiple submitters, no conflicts (2 of 4 stars). 12 submissions from 12 submitters: Pathogenic (11). 1 of the submissions does not count toward it. Last evaluated 2026-01-26.

Conditions:
SPAST-related disorder. Also called: SPAST-related condition.
Hereditary spastic paraplegia. Also called: Familial spastic paraparesis. Identifiers: Orphanet 685, MedGen C0037773, MONDO:0019064. Disease mechanism: loss of function.
Hereditary spastic paraplegia 4. Also called: Spastic Paraplegia 4; Spastic paraplegia 4, autosomal dominant; Familial spastic paraplegia autosomal dominant 2. Identifiers: Orphanet 100985, MedGen C1866855, MONDO:0008438, OMIM 182601.

Allele frequency attached by ClinVar (database versions not stated): gnomAD exomes below 0.00001.
gnomAD v4.1: 2 of 1,613,482 alleles (0.00012%); highest among the groups gnomAD compares: Middle Eastern, 0.017%; no homozygotes.

Submissions (12):

Labcorp Genetics (formerly Invitae), Labcorp
Classification: Pathogenic for Hereditary spastic paraplegia 4. Last evaluated: 2026-01-26. Review status: criteria provided, single submitter. Criteria: Invitae Variant Classification Sherloc (09022015). Collection method: clinical testing. Allele origin: germline.
Comment: This sequence change creates a premature translational stop signal (p.Arg431*) in the SPAST gene. It is expected to result in an absent or disrupted protein product. Loss-of-function variants in SPAST are known to be pathogenic (PMID: 20932283). This variant is not present in population databases (gnomAD no frequency). This premature translational stop signal has been observed in individuals with hereditary spastic paraplegia (PMID: 10699187, 18701882, 20718791, 25454648, 29980238). Invitae Evidence Modeling of clinical and family history, age, sex, and reported ancestry of multiple individuals with this SPAST variant has been performed. This variant is expected to be pathogenic with a positive predictive value of at least 99%. This is a validated machine learning model that incorporates the clinical features of 4,195 individuals referred to our laboratory for SPAST testing. ClinVar contains an entry for this variant (Variation ID: 188179). For these reasons, this variant has been classified as Pathogenic.

Victorian Clinical Genetics Services, Murdoch Childrens Research Institute
Classification: Pathogenic for Hereditary spastic paraplegia 4. Last evaluated: 2026-01-26. Review status: criteria provided, single submitter. Criteria: ACMG Guidelines, 2015. Collection method: clinical testing. Allele origin: germline. Affected: yes.
Comment: This variant is classified as Pathogenic. Evidence in support of pathogenic classification: Variant is predicted to cause nonsense-mediated decay (NMD) and loss of protein (premature termination codon is located at least 54 nucleotides upstream of the final exon-exon junction); Variant is present in gnomAD <0.01 (v4: 2 heterozygote(s), 0 homozygote(s)); This variant has strong previous evidence of pathogenicity in unrelated individuals. This variant has been classified as pathogenic by multiple clinical laboratories (ClinVar), and reported in individuals with HSP (PMID: 31751864); Other NMD-predicted variants comparable to the one identified in this case have very strong previous evidence for pathogenicity. These variants have been reported many times as pathogenic and reported in individuals with hereditary spastic paraplegia (HSP) (PMID: 31751864, DECIPHER). Additional information: This variant is heterozygous; This gene is associated with both recessive and dominant disease. Spastic paraplegia 4, autosomal dominant (MIM#182601) is inherited in a dominant manner whilst cerebral palsy (MONDO:0006497), SPAST-related is associated with biallelic disease (PMIDs: 38693247, 41000004); Dominant negative and loss of function are known mechanisms of disease for this gene and are associated with spastic paraplegia 4 (MIM#182601) and cerebral palsy (MONDO:0006497), SPAST-related. Multiple loss of function variants have been reported, while a dominant negative mechanism has been stipulated for a small number of missense variants (ClinVar; PMID: 30006150); The condition associated with this gene has incomplete penetrance, but this is age-dependant and only a small proportion of individuals remain asymptomatic (PMID: 30476002); Variants in this gene are known to have variable expressivity, with variable age of onset and disease severity (PMID: 30476002).

Blueprint Genetics
Classification: Pathogenic for SPAST-related disorders. Last evaluated: 2024-06-07. Review status: criteria provided, single submitter. Criteria: ACMG Guidelines, 2015. Collection method: clinical testing. Allele origin: germline. Affected: yes. Observed: 3 variant alleles.

Molecular Genetics, Royal Melbourne Hospital
Classification: Pathogenic for Hereditary spastic paraplegia 4. Last evaluated: 2024-03-01. Review status: criteria provided, single submitter. Criteria: ACMG Guidelines, 2015. Collection method: clinical testing. Allele origin: germline. Inheritance: Autosomal dominant inheritance. Affected: yes.
Comment: This sequence change in SPAST is a nonsense variant predicted to cause a premature stop codon, p.(Arg431*), in biologically relevant exon 10/21 leading to nonsense-mediated decay in a gene in which loss-of-function is an established disease mechanism. The highest population minor allele frequency in the population database gnomAD v4.0 is 0.00009% (1/1,111,596 alleles) in the European (non-Finnish) population, which is consistent with spastic paraplegia. This variant has been reported in multiple individuals with hereditary spastic paraplegia (PMID: 31751864, 31594988, 37144097). Based on the classification scheme RMH Modified ACMG/AMP Guidelines v1.6.1, this variant is classified as PATHOGENIC. Following criteria are met: PVS1, PM2_Supporting, PS4_Moderate

GeneDx
Classification: Pathogenic. Last evaluated: 2023-08-30. Review status: criteria provided, single submitter. Criteria: GeneDx Variant Classification Process June 2021. Collection method: clinical testing. Allele origin: germline. Affected: yes.
Comment: Nonsense variant predicted to result in protein truncation or nonsense mediated decay in a gene for which loss of function is a known mechanism of disease; Not observed in large population cohorts (gnomAD); This variant is associated with the following publications: (PMID: 20718791, 34782662, 25525159, 10699187, 29980238, 26208798, 22960362, 27084228, 25454648, 26671083, 19423133, 30489674, 27334366, 15841487, 20559269, 31227335, 32213280, 31594988, 23252998)

Athena Diagnostics
Classification: Pathogenic. Last evaluated: 2023-05-12. Review status: criteria provided, single submitter. Criteria: Athena Diagnostics Criteria. Collection method: clinical testing. Allele origin: unknown.
Comment: This variant is expected to result in the loss of a functional protein. This variant has not been reported in large, multi-ethnic general populations. This variant has been identified in multiple unrelated individuals with clinical features associated with this gene.

Clinical Genetics Laboratory, Skane University Hospital Lund
Classification: Pathogenic. Last evaluated: 2022-05-27. Review status: criteria provided, single submitter. Criteria: ACMG Guidelines, 2015. Collection method: clinical testing. Allele origin: germline. Affected: yes.

MGZ Medical Genetics Center
Classification: Pathogenic for Hereditary spastic paraplegia 4. Last evaluated: 2022-01-27. Review status: criteria provided, single submitter. Criteria: ACMG Guidelines, 2015. Collection method: clinical testing. Allele origin: germline. Affected: yes. Observed: 1 variant allele.
Comment: ACMG criteria applied: PVS1, PS4_MOD, PM2_SUP

CeGaT Center for Human Genetics Tuebingen
Classification: Pathogenic. Last evaluated: 2019-04-01. Review status: criteria provided, single submitter. Criteria: CeGaT Center For Human Genetics Tuebingen Variant Classification Criteria Version 2. Collection method: clinical testing. Allele origin: germline. Affected: yes. Observed: 1 variant allele.

Genome Diagnostics Laboratory, The Hospital for Sick Children
Classification: Pathogenic for Hereditary spastic paraplegia. Last evaluated: 2018-04-01. Review status: criteria provided, single submitter. Criteria: ACMG Guidelines, 2015. Collection method: clinical testing. Allele origin: germline. Affected: yes.

Paris Brain Institute, Inserm - ICM
Classification: Pathogenic for Hereditary spastic paraplegia 4. Review status: criteria provided, single submitter. Criteria: ACMG Guidelines, 2015. Collection method: clinical testing. Allele origin: unknown. Affected: yes. Observed: 3 variant alleles.

Solve-RD Consortium
Classification: Likely pathogenic for Hereditary spastic paraplegia 4. Last evaluated: 2022-06-01. Review status: no assertion criteria provided. Collection method: provider interpretation. Allele origin: inherited. Affected: yes. Not counted in ClinVar's aggregate classification.
Comment: Variant confirmed as disease-causing by referring clinical team

Variant identified during reanalysis of unsolved cases by the Solve-RD project. The Solve-RD project has received funding from the European Union’s Horizon 2020 research and innovation programme under grant agreement No 779257.

Literature cited by the submitters: PubMed 20932283 (cited by Labcorp Genetics (formerly Invitae), Labcorp); PubMed 10699187 (cited by Labcorp Genetics (formerly Invitae), Labcorp and Athena Diagnostics); PubMed 18701882 (cited by Labcorp Genetics (formerly Invitae), Labcorp and Athena Diagnostics); PubMed 20718791 (cited by Labcorp Genetics (formerly Invitae), Labcorp and Athena Diagnostics); PubMed 25454648 (cited by Labcorp Genetics (formerly Invitae), Labcorp and Athena Diagnostics); PubMed 29980238 (cited by Labcorp Genetics (formerly Invitae), Labcorp); PubMed 30476002 (cited by Victorian Clinical Genetics Services, Murdoch Childrens Research Institute); PubMed 30006150 (cited by Victorian Clinical Genetics Services, Murdoch Childrens Research Institute); PubMed 41000004 (cited by Victorian Clinical Genetics Services, Murdoch Childrens Research Institute); PubMed 38693247 (cited by Victorian Clinical Genetics Services, Murdoch Childrens Research Institute); PubMed 31751864 (cited by Victorian Clinical Genetics Services, Murdoch Childrens Research Institute and Molecular Genetics, Royal Melbourne Hospital); PubMed 31594988 (cited by Molecular Genetics, Royal Melbourne Hospital and Athena Diagnostics); PubMed 37144097 (cited by Molecular Genetics, Royal Melbourne Hospital); PubMed 25525159 (cited by Athena Diagnostics); PubMed 26208798 (cited by Athena Diagnostics); PubMed 23252998 (cited by Athena Diagnostics); PubMed 19423133 (cited by Athena Diagnostics); PubMed 26671083 (cited by Athena Diagnostics); PubMed 22960362 (cited by Athena Diagnostics); PubMed 27084228 (cited by Athena Diagnostics); PubMed 15841487 (cited by Athena Diagnostics); PubMed 31851166 (cited by Athena Diagnostics); PubMed 27334366 (cited by Athena Diagnostics); PubMed 39825153 (cited by Solve-RD Consortium).